The following is an entry in ClinVar:

NM_001761.3(CCNF):c.1725G>C (p.Glu575Asp)

Gene: CCNF (cyclin F; plus strand). Cytogenetic location: 16p13.3.
Variant type: single nucleotide variant.
Coding change: c.1725G>C on transcript NM_001761.3 (MANE Select); coding-DNA position 1725, G replaced by C.
Protein change: p.Glu575Asp; replaces glutamic acid 575 with aspartic acid.
Molecular consequence: missense variant.
Genome position (GRCh38, 1-based): chr16:2,455,404, G>C. VCF-style: chr16-2455404-G-C. GRCh37 (hg19) VCF-style: chr16-2505405-G-C.
Other names: c.801G>C, p.Glu267Asp (NM_001323538.2); short protein forms E267D, E575D.
Identifiers: ClinVar variation 4820028 (VCV004820028.2).
Genomic context (GRCh38, chr16:2,455,404, plus strand): 5'-CCCAGCGCCGCCGTCCATGACTGGGTCTCCTGGGCTCTCTCCACCTTGCAGGAAGCGGGA[G>C]AACAGCCTCCAGGAAGACAGAGGCAGCTTCGTTACCACCCCCACTGCGGAGCTGTCCAGC-3'
Protein context (NP_001752.2, residues 565-585): PSGRRTKRKR[Glu575Asp]NSLQEDRGSF

ClinVar aggregate classification (germline): Likely benign (1 of 4 stars; one submission).

Conditions:
Amyotrophic lateral sclerosis (ALS). Also called: Lou Gehrig disease; Charcot disease. Identifiers: Orphanet 803, MedGen C0002736, MONDO:0004976, HP:0007354.

gnomAD v4.1: 6 of 1,582,034 alleles (0.00038%); highest among the groups gnomAD compares: East Asian, 0.0091%; no homozygotes.

Submission:

Department of Neurology, Brain Research Institute, Niigata University
Classification: Likely benign for Amyotrophic lateral sclerosis. Last evaluated: 2026-09-21. Review status: criteria provided, single submitter. Criteria: ACMG Guidelines, 2015. Collection method: research. Allele origin: unknown. Affected: yes.
Comment: REVEL score of this variant is 0.103 (BP4_Moderate).